The following is an entry in ClinVar:

NM_001734.5(C1S):c.907G>A (p.Val303Ile)

Gene: C1S (complement C1s; plus strand). Cytogenetic location: 12p13.31.
Variant type: single nucleotide variant.
Coding change: c.907G>A on transcript NM_001734.5 (MANE Select); coding-DNA position 907, G replaced by A.
Protein change: p.Val303Ile; replaces valine 303 with isoleucine.
Molecular consequence: missense variant.
Genome position (GRCh38, 1-based): chr12:7,066,553, G>A. VCF-style: chr12-7066553-G-A. GRCh37 (hg19) VCF-style: chr12-7173857-G-A.
Other names: c.406G>A, p.Val136Ile (NM_001346850.2); c.907G>A, p.Val303Ile (NM_201442.4); short protein forms V136I, V303I.
Identifiers: ClinVar variation 2709482 (VCV002709482.3), dbSNP rs2539601419, ClinGen allele CA383698746.

ClinVar aggregate classification (germline): Uncertain significance (1 of 4 stars; one submission).

Submission:

Labcorp Genetics (formerly Invitae), Labcorp
Classification: Uncertain significance. Last evaluated: 2024-01-31. Review status: criteria provided, single submitter. Criteria: Invitae Variant Classification Sherloc (09022015). Collection method: clinical testing. Allele origin: germline.
Comment: This sequence change replaces valine, which is neutral and non-polar, with isoleucine, which is neutral and non-polar, at codon 303 of the C1S protein (p.Val303Ile). This variant is not present in population databases (gnomAD no frequency). This variant has not been reported in the literature in individuals affected with C1S-related conditions. Advanced modeling of protein sequence and biophysical properties (such as structural, functional, and spatial information, amino acid conservation, physicochemical variation, residue mobility, and thermodynamic stability) performed at Invitae indicates that this missense variant is not expected to disrupt C1S protein function with a negative predictive value of 80%. In summary, the available evidence is currently insufficient to determine the role of this variant in disease. Therefore, it has been classified as a Variant of Uncertain Significance.